The following is an entry in ClinVar:

NM_000548.5(TSC2):c.4495T>G (p.Phe1499Val)

Gene: TSC2 (TSC complex subunit 2; plus strand). Cytogenetic location: 16p13.3.
Variant type: single nucleotide variant.
Coding change: c.4495T>G on transcript NM_000548.5 (MANE Select); coding-DNA position 4495, T replaced by G.
Protein change: p.Phe1499Val; replaces phenylalanine 1499 with valine.
Molecular consequence: missense variant.
Genome position (GRCh38, 1-based): chr16:2,084,952, T>G. VCF-style: chr16-2084952-T-G. GRCh37 (hg19) VCF-style: chr16-2134953-T-G.
Other names: c.4294T>G, p.Phe1432Val (NM_001077183.3); c.4426T>G, p.Phe1476Val (NM_001114382.3); c.4186T>G, p.Phe1396Val (NM_001318827.2); c.4150T>G, p.Phe1384Val (NM_001318829.2); c.3763T>G, p.Phe1255Val (NM_001318831.2); c.4327T>G, p.Phe1443Val (NM_001318832.2); c.4297T>G, p.Phe1433Val (NM_001363528.2); c.4363T>G, p.Phe1455Val (NM_001370404.1); and 1 more; short protein forms F1255V, F1384V, F1396V, F1456V, F1476V, F1499V, F1455V, F1432V.
Identifiers: ClinVar variation 1512879 (VCV001512879.8), dbSNP rs2151543061, ClinGen allele CA394302679.

ClinVar aggregate classification (germline): Uncertain significance (1 of 4 stars; one submission).

Conditions:
Tuberous sclerosis 2 (TSC2). Identifiers: Orphanet 805, MedGen C1860707, MONDO:0013199, OMIM 613254.

Submission:

Labcorp Genetics (formerly Invitae), Labcorp
Classification: Uncertain significance for Tuberous sclerosis 2. Last evaluated: 2021-07-19. Review status: criteria provided, single submitter. Criteria: Invitae Variant Classification Sherloc (09022015). Collection method: clinical testing. Allele origin: germline.
Comment: In summary, the available evidence is currently insufficient to determine the role of this variant in disease. Therefore, it has been classified as a Variant of Uncertain Significance. Algorithms developed to predict the effect of missense changes on protein structure and function are either unavailable or do not agree on the potential impact of this missense change (SIFT: "Deleterious"; PolyPhen-2: "Possibly Damaging"; Align-GVGD: "Class C0"). This variant has not been reported in the literature in individuals with TSC2-related conditions. This variant is not present in population databases (ExAC no frequency). This sequence change replaces phenylalanine with valine at codon 1499 of the TSC2 protein (p.Phe1499Val). The phenylalanine residue is highly conserved and there is a small physicochemical difference between phenylalanine and valine.